The following is an entry in ClinVar:

NM_001082486.2(ACD):c.1013G>C (p.Ser338Thr)

Gene: ACD (ACD shelterin complex subunit and telomerase recruitment factor; minus strand). Cytogenetic location: 16q22.1.
Variant type: single nucleotide variant.
Coding change: c.1013G>C on transcript NM_001082486.2 (MANE Select); coding-DNA position 1013, G replaced by C.
Protein change: p.Ser338Thr; replaces serine 338 with threonine.
Molecular consequence: missense variant.
Genome position (GRCh38, 1-based): chr16:67,658,179, C>G on the plus strand (G>C on the coding strand, the complement: ACD is on the minus strand). VCF-style: chr16-67658179-C-G. GRCh37 (hg19) VCF-style: chr16-67692082-C-G.
Other names: c.926G>C, p.Ser309Thr (NM_001410884.1); c.1004G>C, p.Ser335Thr (NM_022914.3); short protein forms S309T, S335T, S338T.
Identifiers: ClinVar variation 2603043 (VCV002603043.2), dbSNP rs368783801, ClinGen allele CA283217256.

ClinVar aggregate classification (germline): Uncertain significance (1 of 4 stars; one submission).

Conditions:
Inborn genetic diseases. Identifiers: MedGen C0950123, MeSH D030342.

Allele frequency attached by ClinVar (database versions not stated): TOPMed below 0.00001; ESP Exome Variant Server 0.00008.

Submission:

Ambry Genetics
Classification: Uncertain significance for Inborn genetic diseases. Last evaluated: 2023-07-08. Review status: criteria provided, single submitter. Criteria: Ambry Variant Classification Scheme 2023. Collection method: clinical testing. Allele origin: germline.
Comment: The p.S424T variant (also known as c.1271G>C), located in coding exon 10 of the ACD gene, results from a G to C substitution at nucleotide position 1271. The serine at codon 424 is replaced by threonine, an amino acid with similar properties. This amino acid position is conserved. In addition, this alteration is predicted to be tolerated by in silico analysis. Since supporting evidence is limited at this time, the clinical significance of this alteration remains unclear.